The following is an entry in ClinVar:

ClinVar aggregate classification (germline): Uncertain significance (1 of 4 stars; one submission).

Conditions:
Hereditary cancer-predisposing syndrome. Also called: Neoplastic Syndromes, Hereditary; Tumor predisposition; Hereditary Cancer Syndrome; Hereditary neoplastic syndrome. Identifiers: Orphanet 140162, MedGen C0027672, MeSH D009386, MONDO:0015356.

Submission:

Ambry Genetics
Classification: Uncertain significance for Hereditary cancer-predisposing syndrome. Last evaluated: 2026-04-19. Review status: criteria provided, single submitter. Criteria: Ambry Variant Classification Scheme 2023. Collection method: clinical testing. Allele origin: germline.
Comment: The p.K240N variant (also known as c.720A>T), located in coding exon 8 of the SMARCE1 gene, results from an A to T substitution at nucleotide position 720. The lysine at codon 240 is replaced by asparagine, an amino acid with similar properties. This amino acid position is conserved. In addition, this alteration is predicted to be tolerated by in silico analysis. Based on the available evidence, the clinical significance of this variant remains unclear.

NM_003079.5(SMARCE1):c.720A>T (p.Lys240Asn)

Gene: SMARCE1 (SWI/SNF related BAF chromatin remodeling complex subunit E1; minus strand). Cytogenetic location: 17q21.2.
Variant type: single nucleotide variant.
Coding change: c.720A>T on transcript NM_003079.5 (MANE Select); coding-DNA position 720, A replaced by T.
Protein change: p.Lys240Asn; replaces lysine 240 with asparagine.
Molecular consequence: missense variant.
Genome position (GRCh38, 1-based): chr17:40,631,688, T>A on the plus strand (A>T on the coding strand, the complement: SMARCE1 is on the minus strand). VCF-style: chr17-40631688-T-A. GRCh37 (hg19) VCF-style: chr17-38787940-T-A.
Other names: short protein forms K240N.
Identifiers: ClinVar variation 4864866 (VCV004864866.1).